The following is an entry in ClinVar:

NM_030665.4(RAI1):c.3933G>T (p.Gln1311His)

Gene: RAI1 (retinoic acid induced 1; plus strand). Cytogenetic location: 17p11.2.
Variant type: single nucleotide variant.
Coding change: c.3933G>T on transcript NM_030665.4 (MANE Select); coding-DNA position 3933, G replaced by T.
Protein change: p.Gln1311His; replaces glutamine 1311 with histidine.
Molecular consequence: missense variant.
Genome position (GRCh38, 1-based): chr17:17,796,881, G>T. VCF-style: chr17-17796881-G-T. GRCh37 (hg19) VCF-style: chr17-17700195-G-T.
Other names: c.3933G>T (NM_030665.3); short protein forms Q1311H.
Identifiers: ClinVar variation 1430254 (VCV001430254.9), dbSNP rs1345091760, ClinGen allele CA398555350.

ClinVar aggregate classification (germline): Uncertain significance. Review status: criteria provided, multiple submitters, no conflicts (2 of 4 stars). 2 submissions from 2 submitters: Uncertain significance (2). Last evaluated 2025-05-30.

Conditions:
Inborn genetic diseases. Identifiers: MedGen C0950123, MeSH D030342.

Allele frequency attached by ClinVar (database versions not stated): TOPMed below 0.00001.
gnomAD v4.1: 3 of 1,613,192 alleles (0.00019%); highest among the groups gnomAD compares: Admixed American, 0.0033%; no homozygotes.

Submissions (2):

Ambry Genetics
Classification: Uncertain significance for Inborn genetic diseases. Last evaluated: 2025-05-30. Review status: criteria provided, single submitter. Criteria: Ambry Variant Classification Scheme 2023. Collection method: clinical testing. Allele origin: germline.

Labcorp Genetics (formerly Invitae), Labcorp
Classification: Uncertain significance. Last evaluated: 2024-01-15. Review status: criteria provided, single submitter. Criteria: Invitae Variant Classification Sherloc (09022015). Collection method: clinical testing. Allele origin: germline.
Comment: This sequence change replaces glutamine, which is neutral and polar, with histidine, which is basic and polar, at codon 1311 of the RAI1 protein (p.Gln1311His). This variant is not present in population databases (gnomAD no frequency). This variant has not been reported in the literature in individuals affected with RAI1-related conditions. ClinVar contains an entry for this variant (Variation ID: 1430254). Advanced modeling of protein sequence and biophysical properties (such as structural, functional, and spatial information, amino acid conservation, physicochemical variation, residue mobility, and thermodynamic stability) performed at Invitae indicates that this missense variant is not expected to disrupt RAI1 protein function with a negative predictive value of 80%. In summary, the available evidence is currently insufficient to determine the role of this variant in disease. Therefore, it has been classified as a Variant of Uncertain Significance.